The following is an entry in ClinVar:

ClinVar aggregate classification (germline): Pathogenic (1 of 4 stars; one submission).

Conditions:
Ehlers-Danlos syndrome, classic type, 1 (EDSCL1). Also called: EHLERS-DANLOS SYNDROME, GRAVIS TYPE; EHLERS-DANLOS SYNDROME, SEVERE CLASSIC TYPE; Ehlers-Danlos syndrome, type 1; Ehlers-Danlos Syndrome, Classic Type, COL5A1-Related; EDS I. Identifiers: MedGen C0268335, MONDO:0019567, OMIM 130000.
Osteogenesis imperfecta type I (OI1). Also called: OI, TYPE I; OSTEOGENESIS IMPERFECTA TARDA; OSTEOGENESIS IMPERFECTA WITH BLUE SCLERAE; Osteogenesis imperfecta type 1; Lobstein's Disease; Lobstein disease. Identifiers: Orphanet 216796, Orphanet 666, MedGen C0023931, MONDO:0008146, OMIM 166200. Disease mechanism: loss of function.

Submission:

Labcorp Genetics (formerly Invitae), Labcorp
Classification: Pathogenic for Osteogenesis imperfecta type I; Ehlers-Danlos syndrome, classic type, 1. Last evaluated: 2025-11-25. Review status: criteria provided, single submitter. Criteria: Invitae Variant Classification Sherloc (09022015). Collection method: clinical testing. Allele origin: germline.
Comment: This sequence change creates a premature translational stop signal (p.Trp1173*) in the COL1A2 gene. It is expected to result in an absent or disrupted protein product. Loss-of-function variants in COL1A2 are known to be pathogenic (PMID: 11288717, 15077201). This variant is not present in population databases (gnomAD no frequency). This variant has not been reported in the literature in individuals affected with COL1A2-related conditions. Algorithms developed to predict the effect of sequence changes on RNA splicing suggest that this variant may disrupt the consensus splice site. For these reasons, this variant has been classified as Pathogenic.

Literature cited by the submitters: PubMed 11288717; PubMed 15077201.

NM_000089.4(COL1A2):c.3518G>A (p.Trp1173Ter)

Gene: COL1A2 (collagen type I alpha 2 chain; plus strand). Cytogenetic location: 7q21.3.
Variant type: single nucleotide variant.
Coding change: c.3518G>A on transcript NM_000089.4 (MANE Select); coding-DNA position 3518, G replaced by A.
Protein change: p.Trp1173Ter; replaces tryptophan 1173 with a stop codon.
Molecular consequence: nonsense.
Genome position (GRCh38, 1-based): chr7:94,427,877, G>A. VCF-style: chr7-94427877-G-A. GRCh37 (hg19) VCF-style: chr7-94057189-G-A.
Other names: short protein forms W1173*.
Identifiers: ClinVar variation 4791786 (VCV004791786.1).